The following is an entry in ClinVar:

NM_016222.4(DDX41):c.130C>A (p.Gln44Lys)

Gene: DDX41 (DEAD-box helicase 41; minus strand). Cytogenetic location: 5q35.3.
Variant type: single nucleotide variant.
Coding change: c.130C>A on transcript NM_016222.4 (MANE Select); coding-DNA position 130, C replaced by A.
Protein change: p.Gln44Lys; replaces glutamine 44 with lysine.
Molecular consequence: missense variant. On other transcripts: 5 prime UTR variant (2).
Genome position (GRCh38, 1-based): chr5:177,516,733, G>T on the plus strand (C>A on the coding strand, the complement: DDX41 is on the minus strand). VCF-style: chr5-177516733-G-T. GRCh37 (hg19) VCF-style: chr5-176943734-G-T.
Other names: c.-526C>A (NM_001321732.2); c.-318C>A (NM_001321830.2); short protein forms Q44K.
Identifiers: ClinVar variation 4869615 (VCV004869615.1).

ClinVar aggregate classification (germline): Uncertain significance (1 of 4 stars; one submission).

Conditions:
Inborn genetic diseases. Identifiers: MedGen C0950123, MeSH D030342.

Submission:

Ambry Genetics
Classification: Uncertain significance for Inborn genetic diseases. Last evaluated: 2026-03-15. Review status: criteria provided, single submitter. Criteria: Ambry Variant Classification Scheme 2023. Collection method: clinical testing. Allele origin: germline.
Comment: The p.Q44K variant (also known as c.130C>A), located in coding exon 2 of the DDX41 gene, results from a C to A substitution at nucleotide position 130. The glutamine at codon 44 is replaced by lysine, an amino acid with similar properties. This amino acid position is conserved. In addition, this alteration is predicted to be tolerated by in silico analysis. Based on the available evidence, the clinical significance of this variant remains unclear.